The following is an entry in ClinVar:

NM_080680.3(COL11A2):c.4208A>T (p.Asp1403Val)

Gene: COL11A2 (collagen type XI alpha 2 chain; minus strand). Cytogenetic location: 6p21.32.
Variant type: single nucleotide variant.
Coding change: c.4208A>T on transcript NM_080680.3 (MANE Select); coding-DNA position 4208, A replaced by T.
Protein change: p.Asp1403Val; replaces aspartic acid 1403 with valine.
Molecular consequence: missense variant.
Genome position (GRCh38, 1-based): chr6:33,167,092, T>A on the plus strand (A>T on the coding strand, the complement: COL11A2 is on the minus strand). VCF-style: chr6-33167092-T-A. GRCh37 (hg19) VCF-style: chr6-33134869-T-A.
Other names: c.3887A>T, p.Asp1296Val (NM_080679.3); c.3950A>T, p.Asp1317Val (NM_080681.3); c.4208A>T (NM_080680.2); short protein forms D1296V, D1403V, D1317V.
Identifiers: ClinVar variation 1480977 (VCV001480977.7), dbSNP rs1353761128, ClinGen allele CA363621901.
Genomic context (GRCh38, chr6:33,167,092, plus strand): 5'-GGGAGAGACACCTGGCCACGTGTCTGTCTGTCACTCACCTTCTCTCCCTTGGCTCCAGCA[T>A]CGCCCCGGAGACCAGGCAGCCCTGGGGGTCCCTGTGGAGAGATGGGAAGTCATTCTCTTA-3'
Protein context (NP_542411.2, residues 1393-1413): GPPGLPGLRG[Asp1403Val]AGAKGEKGHP

ClinVar aggregate classification (germline): Conflicting classifications of pathogenicity. Review status: criteria provided, conflicting classifications (1 of 4 stars). 2 submissions from 2 submitters: Uncertain significance (1); Likely benign (1). Last evaluated 2024-05-20.

Allele frequency attached by ClinVar (database versions not stated): gnomAD exomes below 0.00001; gnomAD 0.00001; TOPMed 0.00001.
gnomAD v4.1: 3 of 1,613,890 alleles (0.00019%); highest among the groups gnomAD compares: African/African-American, 0.0027%; no homozygotes.

Submissions (2):

GeneDx
Classification: Uncertain significance. Last evaluated: 2024-05-20. Review status: criteria provided, single submitter. Criteria: GeneDx Variant Classification Process June 2021. Collection method: clinical testing. Allele origin: germline. Affected: yes.
Comment: Not observed at significant frequency in large population cohorts (gnomAD); In silico analysis supports that this missense variant has a deleterious effect on protein structure/function; Has not been previously published as pathogenic or benign to our knowledge

Labcorp Genetics (formerly Invitae), Labcorp
Classification: Likely benign. Last evaluated: 2024-04-16. Review status: criteria provided, single submitter. Criteria: Invitae Variant Classification Sherloc (09022015). Collection method: clinical testing. Allele origin: germline.